The following is an entry in ClinVar:

ClinVar aggregate classification (germline): Likely pathogenic (1 of 4 stars; one submission).

Conditions:
Cohen syndrome (COH1). Also called: PEPPER SYNDROME; Cutis verticis gyrata, retinitis pigmentosa, and sensorineural deafness. Identifiers: Orphanet 193, MedGen C0265223, MONDO:0008999, OMIM 216550.

Submission:

Natera, Inc.
Classification: Likely pathogenic for Cohen syndrome. Last evaluated: 2025-08-12. Review status: criteria provided, single submitter. Criteria: Natera Variant Classification Schema (03/2026). Collection method: clinical testing. Allele origin: germline.
Comment: The c.8034_8037delinsACAGCTGGGGAACTGGCGTT variant in VPS13B is a frameshift variant predicted to shift the reading frame beginning at codon 2679 and leads to a stop codon 27 codons downstream. This variant is expected to result in nonsense mediated decay, truncation, or a dysfunctional protein product. This variant is rare in the general population with a frequency below the threshold expected for the associated phenotype(s). Given the available evidence, this variant is classified as Likely Pathogenic.

NM_152564.5(VPS13B):c.7959_7962delinsACAGCTGGGGAACTGGCGTT (p.Glu2654fs)

Gene: VPS13B (vacuolar protein sorting 13 homolog B; plus strand). Cytogenetic location: 8q22.2.
Variant type: Indel.
Coding change: c.7959_7962delinsACAGCTGGGGAACTGGCGTT on transcript NM_152564.5 (MANE Select); coding-DNA positions 7959 to 7962, TGAA replaced by ACAGCTGGGGAACTGGCGTT.
Protein change: p.Glu2654fs; shifts the reading frame from glutamic acid 2654.
Molecular consequence: frameshift variant.
Genome position (GRCh38, 1-based): chr8:99,809,392-99,809,395, TGAA replaced by ACAGCTGGGGAACTGGCGTT. VCF-style: chr8-99809392-TGAA-ACAGCTGGGGAACTGGCGTT. GRCh37 (hg19) VCF-style: chr8-100821620-TGAA-ACAGCTGGGGAACTGGCGTT.
Other names: c.8034_8037delTGAAinsACAGCTGGGGAACTGGCGTT, p.Glu2679Glnfs (NM_017890.4); c.8034_8037delinsACAGCTGGGGAACTGGCGTT, p.Glu2679fs (NM_017890.5); short protein forms E2654fs, E2679fs.
Identifiers: ClinVar variation 4815976 (VCV004815976.1).
Genomic context (GRCh38, chr8:99,809,392, plus strand): 5'-TTGGCACGTTTGGCATTATGACGATTATTGTTTTTTTCTCCAGCTGTTACACATCTGTAT[TGAA>ACAGCTGGGGAACTGGCGTT]GGTTGGGGCAACTGGCGTTGGTCAGAGCCTTTCAGTGTGGACCATGCCGGGACTTTTATT-3'